The following is an entry in ClinVar:

ClinVar aggregate classification (germline): Uncertain significance. Review status: criteria provided, multiple submitters, no conflicts (2 of 4 stars). 3 submissions from 3 submitters: Uncertain significance (2). 1 of the submissions does not count toward it. Last evaluated 2024-12-09.

Conditions:
Inborn genetic diseases. Identifiers: MedGen C0950123, MeSH D030342.
Pulmonary fibrosis and/or bone marrow failure, Telomere-related, 3. Also called: PULMONARY FIBROSIS AND/OR BONE MARROW FAILURE SYNDROME, TELOMERE-RELATED, 3. Identifiers: Orphanet 2032, MedGen C4225346, MONDO:0014613, OMIM 616373.
Dyskeratosis congenita, autosomal recessive 5 (DKCB5). Identifiers: MedGen C3554656, MONDO:0014076, OMIM 615190.
Dyskeratosis congenita. Identifiers: Orphanet 1775, MedGen C0265965, MONDO:0015780.

Allele frequency attached by ClinVar (database versions not stated): ExAC 0.00001; gnomAD exomes 0.00001; TOPMed 0.00001.

Submissions (3):

Labcorp Genetics (formerly Invitae), Labcorp
Classification: Uncertain significance for Dyskeratosis congenita, autosomal recessive 5; Pulmonary fibrosis and/or bone marrow failure, Telomere-related, 3. Last evaluated: 2024-12-09. Review status: criteria provided, single submitter. Criteria: Invitae Variant Classification Sherloc (09022015). Collection method: clinical testing. Allele origin: germline.
Comment: This sequence change replaces leucine, which is neutral and non-polar, with valine, which is neutral and non-polar, at codon 972 of the RTEL1 protein (p.Leu972Val). This variant is present in population databases (rs750311914, gnomAD 0.006%). This variant has not been reported in the literature in individuals affected with RTEL1-related conditions. This variant is also known as NM_032957.4(RTEL1):c.2914C>G (p.Leu972Val). ClinVar contains an entry for this variant (Variation ID: 540939). An algorithm developed to predict the effect of missense changes on protein structure and function (PolyPhen-2) suggests that this variant is likely to be disruptive. In summary, the available evidence is currently insufficient to determine the role of this variant in disease. Therefore, it has been classified as a Variant of Uncertain Significance.

Ambry Genetics
Classification: Uncertain significance for Inborn genetic diseases. Last evaluated: 2024-05-10. Review status: criteria provided, single submitter. Criteria: Ambry Variant Classification Scheme 2023. Collection method: clinical testing. Allele origin: germline.

Natera, Inc.
Classification: Uncertain significance for Dyskeratosis congenita. Last evaluated: 2019-11-11. Review status: no assertion criteria provided. Collection method: clinical testing. Allele origin: germline. Not counted in ClinVar's aggregate classification.

NM_001283009.2(RTEL1):c.2842C>G (p.Leu948Val)

Genes: RTEL1 (regulator of telomere elongation helicase 1; plus strand), RTEL1-TNFRSF6B (RTEL1-TNFRSF6B readthrough (NMD candidate); plus strand). Cytogenetic location: 20q13.33.
Variant type: single nucleotide variant.
Coding change: c.2842C>G on transcript NM_001283009.2 (MANE Select); coding-DNA position 2842, C replaced by G.
Protein change: p.Leu948Val; replaces leucine 948 with valine.
Molecular consequence: missense variant. On other transcripts: non-coding transcript variant (1).
Genome position (GRCh38, 1-based): chr20:63,692,994, C>G. VCF-style: chr20-63692994-C-G. GRCh37 (hg19) VCF-style: chr20-62324347-C-G.
Other names: c.2173C>G, p.Leu725Val (NM_001283010.1); c.2842C>G, p.Leu948Val (NM_016434.4); c.2914C>G, p.Leu972Val (NM_032957.5); short protein forms L948V, L972V, L725V.
Identifiers: ClinVar variation 540939 (VCV000540939.11), dbSNP rs750311914, ClinGen allele CA9965574.